The following is an entry in ClinVar:

ClinVar aggregate classification (germline): Likely pathogenic (1 of 4 stars; one submission).

Submission:

Mayo Clinic Laboratories, Mayo Clinic
Classification: Likely pathogenic. Last evaluated: 2020-06-08. Review status: criteria provided, single submitter. Criteria: ACMG Guidelines, 2015. Collection method: clinical testing. Allele origin: germline. Observed: 1 variant allele.
Comment: PVS1, PM2

NM_001355436.2(SPTB):c.1932G>A (p.Trp644Ter)

Gene: SPTB (spectrin beta, erythrocytic; minus strand). Cytogenetic location: 14q23.3.
Variant type: single nucleotide variant.
Coding change: c.1932G>A on transcript NM_001355436.2 (MANE Select); coding-DNA position 1932, G replaced by A.
Protein change: p.Trp644Ter; replaces tryptophan 644 with a stop codon.
Molecular consequence: nonsense.
Genome position (GRCh38, 1-based): chr14:64,793,731, C>T on the plus strand (G>A on the coding strand, the complement: SPTB is on the minus strand). VCF-style: chr14-64793731-C-T. GRCh37 (hg19) VCF-style: chr14-65260449-C-T.
Other names: c.1932G>A, p.Trp644Ter (NM_001024858.4, NM_001355437.2); short protein forms W644*.
Identifiers: ClinVar variation 1163552 (VCV001163552.5), dbSNP rs2139596180, ClinGen allele CA390020443.